The following is an entry in ClinVar:

NM_004655.4(AXIN2):c.1200G>C (p.Glu400Asp)

Gene: AXIN2 (axin 2; minus strand). Cytogenetic location: 17q24.1.
Variant type: single nucleotide variant.
Coding change: c.1200G>C on transcript NM_004655.4 (MANE Select); coding-DNA position 1200, G replaced by C.
Protein change: p.Glu400Asp; replaces glutamic acid 400 with aspartic acid.
Molecular consequence: missense variant.
Genome position (GRCh38, 1-based): chr17:65,538,203, C>G on the plus strand (G>C on the coding strand, the complement: AXIN2 is on the minus strand). VCF-style: chr17-65538203-C-G. GRCh37 (hg19) VCF-style: chr17-63534321-C-G.
Other names: c.1200G>C, p.Glu400Asp (NM_001363813.1); short protein forms E400D.
Identifiers: ClinVar variation 1974845 (VCV001974845.5), dbSNP rs772748458, ClinGen allele CA400678104.

ClinVar aggregate classification (germline): Uncertain significance (1 of 4 stars; one submission).

Conditions:
Oligodontia-cancer predisposition syndrome. Also called: TOOTH AGENESIS-COLORECTAL CANCER SYNDROME. Identifiers: Orphanet 300576, MedGen C1837750, MONDO:0012075, OMIM 608615. Disease mechanism: loss of function.

Submission:

Labcorp Genetics (formerly Invitae), Labcorp
Classification: Uncertain significance for Oligodontia-cancer predisposition syndrome. Last evaluated: 2024-05-07. Review status: criteria provided, single submitter. Criteria: Invitae Variant Classification Sherloc (09022015). Collection method: clinical testing. Allele origin: germline.
Comment: This sequence change replaces glutamic acid, which is acidic and polar, with aspartic acid, which is acidic and polar, at codon 400 of the AXIN2 protein (p.Glu400Asp). This variant also falls at the last nucleotide of exon 5, which is part of the consensus splice site for this exon. This variant is not present in population databases (gnomAD no frequency). This variant has not been reported in the literature in individuals affected with AXIN2-related conditions. ClinVar contains an entry for this variant (Variation ID: 1974845). An algorithm developed to predict the effect of missense changes on protein structure and function (PolyPhen-2) suggests that this variant is likely to be disruptive. Variants that disrupt the consensus splice site are a relatively common cause of aberrant splicing (PMID: 17576681, 9536098). Algorithms developed to predict the effect of sequence changes on RNA splicing suggest that this variant may disrupt the consensus splice site. In summary, the available evidence is currently insufficient to determine the role of this variant in disease. Therefore, it has been classified as a Variant of Uncertain Significance.

Literature cited by the submitters: PubMed 17576681; PubMed 9536098.